The following is an entry in ClinVar:

NM_052844.4(DYNC2I2):c.1169C>T (p.Pro390Leu)

Genes: DYNC2I2 (dynein 2 intermediate chain 2; minus strand), LOC126860772 (CDK7 strongly-dependent group 2 enhancer GRCh37_chr9:131396972-131398171; plus strand). Cytogenetic location: 9q34.11.
Variant type: single nucleotide variant.
Coding change: c.1169C>T on transcript NM_052844.4 (MANE Select); coding-DNA position 1169, C replaced by T.
Protein change: p.Pro390Leu; replaces proline 390 with leucine.
Molecular consequence: missense variant.
Genome position (GRCh38, 1-based): chr9:128,634,734, G>A on the plus strand (C>T on the coding strand, the complement: DYNC2I2 is on the minus strand). VCF-style: chr9-128634734-G-A. GRCh37 (hg19) VCF-style: chr9-131397013-G-A.
Other names: short protein forms P390L.
Identifiers: ClinVar variation 1526181 (VCV001526181.1), dbSNP rs999307682, ClinGen allele CA375112183.

ClinVar aggregate classification (germline): Uncertain significance (1 of 4 stars; one submission).

Conditions:
Short-rib thoracic dysplasia 11 with or without polydactyly (SRTD11). Also called: SHORT-RIB THORACIC DYSPLASIA 11 WITHOUT POLYDACTYLY. Identifiers: Orphanet 474, Orphanet 93271, MedGen C3810200, MONDO:0014287, OMIM 615633.

Submission:

3billion
Classification: Uncertain significance for Short-rib thoracic dysplasia 11 with or without polydactyly. Last evaluated: 2022-03-22. Review status: criteria provided, single submitter. Criteria: ACMG Guidelines, 2015. Collection method: clinical testing. Allele origin: germline. Affected: yes. Observed: 1 homozygote.
Comment: Same nucleotide change resulting in same amino acid change has been previously reported to be associated with WDR34 related disorder (PMID:24183451). The variant has been reported to be in trans with a pathogenic variant as homozygous in at least one similarly affected unrelated individual (PMID: 24183451). A missense variant is a common mechanism. It is not observed in the gnomAD v2.1.1 dataset. Therefore, this variant is classified as uncertain significance according to the recommendation of ACMG/AMP guideline.

Literature cited by the submitters: PubMed 24183451.